The following is an entry in ClinVar:

NM_004577.4(PSPH):c.305A>G (p.Asn102Ser)

Gene: PSPH (phosphoserine phosphatase; minus strand). Cytogenetic location: 7p11.2.
Variant type: single nucleotide variant.
Coding change: c.305A>G on transcript NM_004577.4 (MANE Select); coding-DNA position 305, A replaced by G.
Protein change: p.Asn102Ser; replaces asparagine 102 with serine.
Molecular consequence: missense variant.
Genome position (GRCh38, 1-based): chr7:56,017,350, T>C on the plus strand (A>G on the coding strand, the complement: PSPH is on the minus strand). VCF-style: chr7-56017350-T-C. GRCh37 (hg19) VCF-style: chr7-56085043-T-C.
Other names: c.305A>G, p.Asn102Ser (NM_001370503.1, NM_001370504.1, NM_001370505.1 and 17 more transcripts); short protein forms N102S.
Identifiers: ClinVar variation 1416801 (VCV001416801.8), dbSNP rs1562786740, ClinGen allele CA367596145.

ClinVar aggregate classification (germline): Uncertain significance (1 of 4 stars; one submission).

Conditions:
Deficiency of phosphoserine phosphatase (PSPHD). Also called: Phosphoserine phosphatase deficiency; PSPH deficiency. Identifiers: Orphanet 79350, MedGen C1291463, MONDO:0013531, OMIM 614023.

Allele frequency attached by ClinVar (database versions not stated): TOPMed below 0.00001.

Submission:

Labcorp Genetics (formerly Invitae), Labcorp
Classification: Uncertain significance for Deficiency of phosphoserine phosphatase. Last evaluated: 2021-04-24. Review status: criteria provided, single submitter. Criteria: Invitae Variant Classification Sherloc (09022015). Collection method: clinical testing. Allele origin: germline.
Comment: In summary, the available evidence is currently insufficient to determine the role of this variant in disease. Therefore, it has been classified as a Variant of Uncertain Significance. Algorithms developed to predict the effect of missense changes on protein structure and function (SIFT, PolyPhen-2, Align-GVGD) all suggest that this variant is likely to be tolerated, but these predictions have not been confirmed by published functional studies and their clinical significance is uncertain. This variant has not been reported in the literature in individuals with PSPH-related conditions. This variant is not present in population databases (ExAC no frequency). This sequence change replaces asparagine with serine at codon 102 of the PSPH protein (p.Asn102Ser). The asparagine residue is moderately conserved and there is a small physicochemical difference between asparagine and serine.